The following is an entry in ClinVar:

ClinVar aggregate classification (germline): Pathogenic/Likely pathogenic. Review status: criteria provided, multiple submitters, no conflicts (2 of 4 stars). 4 submissions from 4 submitters: Pathogenic (1); Likely pathogenic (3). Last evaluated 2023-05-06.

Conditions:
Glycogen storage disease type III (GSD3). Also called: FORBES DISEASE; Cori disease. Identifiers: Orphanet 366, MedGen C0017922, MONDO:0009291, OMIM 232400.

Submissions (4):

Baylor Genetics
Classification: Likely pathogenic for Glycogen storage disease type III. Last evaluated: 2023-05-06. Review status: criteria provided, single submitter. Criteria: ACMG Guidelines, 2015. Collection method: clinical testing. Allele origin: unknown.

Genome-Nilou Lab
Classification: Likely pathogenic for Glycogen storage disease type III. Last evaluated: 2023-04-11. Review status: criteria provided, single submitter. Criteria: ACMG Guidelines, 2015. Collection method: clinical testing. Allele origin: germline. Affected: no.

Labcorp Genetics (formerly Invitae), Labcorp
Classification: Pathogenic for Glycogen storage disease type III. Last evaluated: 2022-02-12. Review status: criteria provided, single submitter. Criteria: Invitae Variant Classification Sherloc (09022015). Collection method: clinical testing. Allele origin: germline.
Comment: For these reasons, this variant has been classified as Pathogenic. Algorithms developed to predict the effect of sequence changes on RNA splicing suggest that this variant may create or strengthen a splice site. ClinVar contains an entry for this variant (Variation ID: 967306). This variant has not been reported in the literature in individuals affected with AGL-related conditions. This variant is not present in population databases (gnomAD no frequency). This sequence change creates a premature translational stop signal (p.Tyr933*) in the AGL gene. It is expected to result in an absent or disrupted protein product. Loss-of-function variants in AGL are known to be pathogenic (PMID: 19299494).

Fulgent Genetics
Classification: Likely pathogenic for Glycogen storage disease type III. Last evaluated: 2021-07-09. Review status: criteria provided, single submitter. Criteria: ACMG Guidelines, 2015. Collection method: clinical testing. Allele origin: unknown.

Literature cited by the submitters: PubMed 19299494 (cited by Labcorp Genetics (formerly Invitae), Labcorp).

NM_000642.3(AGL):c.2799T>G (p.Tyr933Ter)

Gene: AGL (amylo-alpha-1,6-glucosidase and 4-alpha-glucanotransferase; plus strand). Cytogenetic location: 1p21.2.
Variant type: single nucleotide variant.
Coding change: c.2799T>G on transcript NM_000642.3 (MANE Select); coding-DNA position 2799, T replaced by G.
Protein change: p.Tyr933Ter; replaces tyrosine 933 with a stop codon.
Molecular consequence: nonsense.
Genome position (GRCh38, 1-based): chr1:99,888,095, T>G. VCF-style: chr1-99888095-T-G. GRCh37 (hg19) VCF-style: chr1-100353651-T-G.
Other names: c.2799T>G, p.Tyr933Ter (NM_001425326.1, NM_000028.3, NM_000643.3 and 2 more transcripts); c.2598T>G, p.Tyr866Ter (NM_001425327.1); c.2595T>G, p.Tyr865Ter (NM_001425328.1); c.2460T>G, p.Tyr820Ter (NM_001425329.1); c.2421T>G, p.Tyr807Ter (NM_001425332.1); c.2751T>G, p.Tyr917Ter (NM_000646.3); short protein forms Y933*, Y917*, Y807*, Y820*, Y865*, Y866*.
Identifiers: ClinVar variation 967306 (VCV000967306.11), dbSNP rs767529587, ClinGen allele CA341323283.
Genomic context (GRCh38, chr1:99,888,095, plus strand): 5'-AGAAGAAAAGGAAGATGGTGGAGGGTGCTATGACATACCAAACTGGTCAGCCCTTAAATA[T>G]GCAGGTCTTCAAGGTAAGCAAATGGAAGGATAGCTGAGCTTTGTGTTTTTCTTTTAGGGT-3'